The following is an entry in ClinVar:

NM_001282717.2(STAG3):c.2773del (p.Ser925fs)

Gene: STAG3 (STAG3 cohesin complex component; plus strand). Cytogenetic location: 7q22.1.
Variant type: Deletion.
Coding change: c.2773del on transcript NM_001282717.2 (MANE Select); coding-DNA position 2773, one base deleted (T; older notation c.2773delT).
Protein change: p.Ser925fs; shifts the reading frame from serine 925.
Molecular consequence: frameshift variant.
Genome position (GRCh38, 1-based): chr7:100,204,093, T deleted; the last of 2 consecutive T bases (chr7:100,204,092-100,204,093); deleting either gives the same sequence. VCF-style (leftmost placement, unchanged base first): chr7-100204091-GT-G. GRCh37 (hg19) VCF-style: chr7-99801714-GT-G.
Other names: p.Ser925ProfsTer6; c.2773del, p.Ser925fs (NM_001282716.1, NM_001375438.1, NM_012447.4); c.2599del, p.Ser867fs (NM_001282718.2); short protein forms S867fs, S925fs.
Identifiers: ClinVar variation 4813861 (VCV004813861.1).

ClinVar aggregate classification (germline): Pathogenic (1 of 4 stars; one submission).

Conditions:
Premature ovarian failure 8 (POF8). Identifiers: MedGen C3810367, MONDO:0014321, OMIM 615723.

Submission:

Molecular Genetics and NGS Laboratory, Hospital Fundacion Valle Del Lili
Classification: Pathogenic for Premature ovarian failure 8. Last evaluated: 2026-03-15. Review status: criteria provided, single submitter. Criteria: ACMG Guidelines, 2015. Collection method: clinical testing. Allele origin: biparental. Inheritance: Autosomal recessive inheritance. Affected: yes. Observed: 1 variant allele, 1 homozygote.
Comment: This variant (7-100204091-GT-G, also known as rs754777613) results in a frameshift deletion impacting the STAG3 gene, which is essential for proper cellular function. It is a rare variant, observed with very low frequencies in diverse populations, including a total allele frequency of approximately 0.0000227 in the TOPMed database and 0.0000140 in gnomAD. Multiple layers of evidence suggest that this variant is likely to be deleterious, as indicated by a CADD PHRED score of 23.9, placing it among the top 0.4% of most harmful variants. Additionally, the high conservation scores across mammalian and vertebrate species imply that the affected region is evolutionarily critical, enhancing the plausibility of its functional impact. The variant resides within super-enhancer regions, further hinting at its potential role in regulating gene expression. We classified this variant as pathogenic based on the following ACMG criteria: PVS1: Null variant (frameshift indel). Loss of function is a known mechanism of disease. PM2: Very low allele frequency, with a total allele frequency of approximately 0.0000227 in the TOPMed database and 0.0000140 in gnomAD. The variant allele was found at a frequency of 0.0000558 in 1,614,122 control chromosomes in the GnomAD database, with no homozygous occurrence. PM3: Homozygous state in the patient, with both parents identified as heterozygous carriers of the variant. PP4: The patient’s phenotype is highly specific and consistent with Premature Ovarian Failure 8 (MIM: 615723).

Literature cited by the submitters: DOI 10.18597/rcog.3806.